The following is an entry in ClinVar:

NM_005859.5(PURA):c.570del (p.Ala192fs)

Gene: PURA (purine rich element binding protein A; plus strand). Cytogenetic location: 5q31.3.
Variant type: Deletion.
Coding change: c.570del on transcript NM_005859.5 (MANE Select); coding-DNA position 570, one base deleted (G; older notation c.570delG).
Protein change: p.Ala192fs; shifts the reading frame from alanine 192.
Molecular consequence: frameshift variant.
Genome position (GRCh38, 1-based): chr5:140,114,751, G deleted. VCF-style (leftmost placement, unchanged base first): chr5-140114750-TG-T. GRCh37 (hg19) VCF-style: chr5-139494335-TG-T.
Other names: short protein forms A192fs.
Identifiers: ClinVar variation 5002422 (VCV005002422.1).

ClinVar aggregate classification (germline): Likely pathogenic (1 of 4 stars; one submission).

Conditions:
PURA-related disorder. Also called: PURA-related condition.

Submission:

PreventionGenetics, part of Exact Sciences
Classification: Likely pathogenic for PURA-related condition. Last evaluated: 2025-01-07. Review status: criteria provided, single submitter. Criteria: ACMG Guidelines, 2015. Collection method: clinical testing. Allele origin: germline.
Comment: The PURA c.570delG variant is predicted to result in a frameshift and premature protein termination (p.Ala192Argfs*33). To our knowledge, this variant has not been reported in the literature or in a large population database (gnomAD), indicating this variant is rare. Frameshift variants in PURA are expected to be pathogenic. This variant is interpreted as likely pathogenic.